The following is an entry in ClinVar:

NM_001032382.2(PQBP1):c.688G>A (p.Gly230Ser)

Gene: PQBP1 (polyglutamine binding protein 1; plus strand). Cytogenetic location: Xp11.23.
Variant type: single nucleotide variant.
Coding change: c.688G>A on transcript NM_001032382.2 (MANE Select); coding-DNA position 688, G replaced by A.
Protein change: p.Gly230Ser; replaces glycine 230 with serine.
Molecular consequence: missense variant.
Genome position (GRCh38, 1-based): chrX:48,902,974, G>A. VCF-style: chrX-48902974-G-A. GRCh37 (hg19) VCF-style: chrX-48760251-G-A.
Other names: c.688G>A, p.Gly230Ser (NM_001032381.2, NM_001032383.2, NM_001032384.1 and 1 more transcripts); c.685G>A, p.Gly229Ser (NM_001167989.2); c.664G>A, p.Gly222Ser (NM_001167990.2); c.388G>A, p.Gly130Ser (NM_001167992.1); c.403G>A, p.Gly135Ser (NM_144495.3); short protein forms G130S, G135S, G229S, G230S, G222S.
Identifiers: ClinVar variation 3721284 (VCV003721284.3).

ClinVar aggregate classification (germline): Uncertain significance. Review status: criteria provided, multiple submitters, no conflicts (2 of 4 stars). 2 submissions from 2 submitters: Uncertain significance (2). Last evaluated 2026-02-18.

Submissions (2):

Women's Health and Genetics/Laboratory Corporation of America, LabCorp
Classification: Uncertain significance. Last evaluated: 2026-02-18. Review status: criteria provided, single submitter. Criteria: LabCorp Variant Classification Summary - May 2015. Collection method: clinical testing. Allele origin: germline.
Comment: Variant summary: PQBP1 c.688G>A (p.Gly230Ser) results in a non-conservative amino acid change in the encoded protein sequence. Algorithms developed to predict the effect of missense changes on protein structure and function all suggest that this variant is likely to be disruptive. The variant was absent in 157920 control chromosomes. The available data on variant occurrences in the general population are insufficient to allow any conclusion about variant significance. To our knowledge, no occurrence of c.688G>A in individuals affected with PQBP1-related conditions and no experimental evidence demonstrating its impact on protein function have been reported. ClinVar contains an entry for this variant (Variation ID: 3721284). Based on the evidence outlined above, the variant was classified as uncertain significance.

Labcorp Genetics (formerly Invitae), Labcorp
Classification: Uncertain significance. Last evaluated: 2024-11-11. Review status: criteria provided, single submitter. Criteria: Invitae Variant Classification Sherloc (09022015). Collection method: clinical testing. Allele origin: germline.
Comment: This sequence change replaces glycine, which is neutral and non-polar, with serine, which is neutral and polar, at codon 230 of the PQBP1 protein (p.Gly230Ser). This variant is not present in population databases (gnomAD no frequency). This variant has not been reported in the literature in individuals affected with PQBP1-related conditions. Invitae Evidence Modeling of protein sequence and biophysical properties (such as structural, functional, and spatial information, amino acid conservation, physicochemical variation, residue mobility, and thermodynamic stability) indicates that this missense variant is not expected to disrupt PQBP1 protein function with a negative predictive value of 80%. In summary, the available evidence is currently insufficient to determine the role of this variant in disease. Therefore, it has been classified as a Variant of Uncertain Significance.